The following is an entry in ClinVar:

NM_000548.5(TSC2):c.-1C>G

Gene: TSC2 (TSC complex subunit 2; plus strand). Cytogenetic location: 16p13.3.
Variant type: single nucleotide variant.
Coding change: c.-1C>G on transcript NM_000548.5 (MANE Select); 1 bases upstream of the start codon, C replaced by G.
Molecular consequence: 5 prime UTR variant. On other transcripts: synonymous variant (1), non-coding transcript variant (5), intron variant (6).
Genome position (GRCh38, 1-based): chr16:2,048,615, C>G. VCF-style: chr16-2048615-C-G. GRCh37 (hg19) VCF-style: chr16-2098616-C-G.
Other names: c.-1C>G (NM_001077183.3, NM_001114382.3, NM_001318827.2 and 13 more transcripts); c.-227C>G (NM_001318831.2, NM_001406682.1, NM_001406684.1 and 2 more transcripts); c.33C>G, p.Thr11= (NM_001318832.2); c.-817C>G (NM_001406680.1, NM_001406683.1, NM_001406687.1); c.-446C>G (NM_001406681.1); c.-1432C>G (NM_001406689.1, NM_001406690.1, NM_001406691.1 and 2 more transcripts); c.-1738C>G (NM_001406693.1); c.-1313C>G (NM_001406694.1, NM_001406695.1); and 4 more.
Identifiers: ClinVar variation 3974639 (VCV003974639.1).

ClinVar aggregate classification (germline): Uncertain significance (1 of 4 stars; one submission).

Conditions:
Hereditary cancer-predisposing syndrome. Also called: Tumor predisposition; Hereditary neoplastic syndrome; Hereditary Cancer Syndrome; Neoplastic Syndromes, Hereditary. Identifiers: Orphanet 140162, MedGen C0027672, MeSH D009386, MONDO:0015356.

Submission:

Ambry Genetics
Classification: Uncertain significance for Hereditary cancer-predisposing syndrome. Last evaluated: 2025-04-25. Review status: criteria provided, single submitter. Criteria: Ambry Variant Classification Scheme 2023. Collection method: clinical testing. Allele origin: germline.
Comment: The c.-1C>G variant is located in the 5' untranslated region (5&rsquo; UTR) of the TSC2 gene. This variant results from a C to G substitution 1 bases upstream from the first translated codon. This nucleotide position is not well conserved in available vertebrate species. Based on the available evidence, the clinical significance of this variant remains unclear.